The following is an entry in ClinVar:

ClinVar aggregate classification (germline): Likely pathogenic (1 of 4 stars; one submission).

Conditions:
von Willebrand disorder (VWD). Also called: von Willebrand Diseases; Von Willebrand disease (hereditary or acquired); von Willebrand's disease. Identifiers: MedGen C0042974, MeSH D014842, MONDO:0024574.

Submission:

Women's Health and Genetics/Laboratory Corporation of America, LabCorp
Classification: Likely pathogenic for von Willebrand disorder. Last evaluated: 2024-05-22. Review status: criteria provided, single submitter. Criteria: LabCorp Variant Classification Summary - May 2015. Collection method: clinical testing. Allele origin: germline.
Comment: Variant summary: VWF c.7288-1G>A is located in a canonical splice-site and is predicted to affect mRNA splicing resulting in a significantly altered protein due to either exon skipping, shortening, or inclusion of intronic material. Several computational tools predict a significant impact on normal splicing: Four predict the variant abolishes a canonical 3' acceptor site. However, these predictions have yet to be confirmed by functional studies. The variant was absent in 251182 control chromosomes (gnomAD). To our knowledge, no occurrence of c.7288-1G>A in individuals affected with Von Willebrand Disease and no experimental evidence demonstrating its impact on protein function have been reported. No submitters have cited clinical-significance assessments for this variant to ClinVar. Based on the evidence outlined above, the variant was classified as likely pathogenic.

NM_000552.5(VWF):c.7288-1G>A

Gene: VWF (von Willebrand factor; minus strand). Cytogenetic location: 12p13.31.
Variant type: single nucleotide variant.
Coding change: c.7288-1G>A on transcript NM_000552.5 (MANE Select); the canonical splice acceptor site of the intron before coding-DNA position 7288, G replaced by A.
Molecular consequence: splice acceptor variant.
Genome position (GRCh38, 1-based): chr12:5,976,261, C>T on the plus strand (G>A on the coding strand, the complement: VWF is on the minus strand). VCF-style: chr12-5976261-C-T. GRCh37 (hg19) VCF-style: chr12-6085427-C-T.
Identifiers: ClinVar variation 3336432 (VCV003336432.1).